The following is an entry in ClinVar:

NM_000179.3(MSH6):c.1875C>T (p.Ser625=)

Gene: MSH6 (mutS homolog 6; plus strand). Cytogenetic location: 2p16.3.
Variant type: single nucleotide variant.
Coding change: c.1875C>T on transcript NM_000179.3 (MANE Select); coding-DNA position 1875, C replaced by T.
Protein change: p.Ser625=; no amino-acid change (serine 625 retained).
Molecular consequence: synonymous variant.
Genome position (GRCh38, 1-based): chr2:47,799,858, C>T. VCF-style: chr2-47799858-C-T. GRCh37 (hg19) VCF-style: chr2-48026997-C-T.
Other names: c.1485C>T, p.Ser495= (NM_001281492.2); c.969C>T, p.Ser323= (NM_001281493.2, NM_001281494.2).
Identifiers: ClinVar variation 89231 (VCV000089231.38), dbSNP rs63749886, ClinGen allele CA009392.
Genomic context (GRCh38, chr2:47,799,858, plus strand): 5'-TAAAACAATTCTAAAGAGTTCATTGTCCTGTTCTCTTCAGGAAGGTCTGATACCCGGCTC[C>T]CAGTTTTGGGATGCATCCAAAACTTTGAGAACTCTCCTTGAGGAAGAATATTTTAGGGAA-3'
Protein context (NP_000170.1, residues 615-635): CSLQEGLIPG[Ser625=]QFWDASKTLR

ClinVar aggregate classification (germline): Likely benign. Review status: reviewed by expert panel (3 of 4 stars). 17 submissions from 17 submitters: Likely benign (1). 16 of the submissions do not count toward it. Last evaluated 2018-10-18.

Conditions:
Hereditary nonpolyposis colorectal neoplasms. Identifiers: MedGen C0009405, MeSH D003123.
Breast and/or ovarian cancer. Identifiers: MedGen CN221562.
Hereditary cancer-predisposing syndrome. Also called: Neoplastic Syndromes, Hereditary; Tumor predisposition; Hereditary Cancer Syndrome; Hereditary neoplastic syndrome. Identifiers: Orphanet 140162, MedGen C0027672, MeSH D009386, MONDO:0015356.
Lynch syndrome. Identifiers: Orphanet 144, MedGen C4552100, MONDO:0005835. Disease mechanism: loss of function.
Lynch syndrome 5 (LYNCH5). Also called: Hereditary non-polyposis colorectal cancer, type 5; Colorectal cancer, hereditary nonpolyposis, type 5. Identifiers: Orphanet 144, MedGen C1833477, MONDO:0013710, OMIM 614350. Disease mechanism: loss of function.
Carcinoma of colon (CRC). Also called: Colonic carcinoma; Colon carcinoma. Identifiers: MedGen C0699790, MONDO:0002032.

Allele frequency attached by ClinVar (database versions not stated): ExAC 0.00016; gnomAD exomes 0.00008 and 0.00014; gnomAD 0.00009 and 0.00010; TOPMed 0.00015.
gnomAD v4.1: 147 of 1,614,038 alleles (0.0091%); highest among the groups gnomAD compares: Middle Eastern, 0.099%; no homozygotes.

Submissions (17):

International Society for Gastrointestinal Hereditary Tumours (InSiGHT)
Classification: Likely benign for Lynch syndrome. Last evaluated: 2018-10-18. Review status: reviewed by expert panel. Criteria: Guidelines v2.4. Collection method: curation. Allele origin: germline. Affected: yes.
Comment: Multifactorial likelihood analysis posterior probability 0.001-0.049 (0.029)

Labcorp Genetics (formerly Invitae), Labcorp
Classification: Benign for Hereditary nonpolyposis colorectal neoplasms. Last evaluated: 2026-02-03. Review status: criteria provided, single submitter. Criteria: Invitae Variant Classification Sherloc (09022015). Collection method: clinical testing. Allele origin: germline. Not counted in ClinVar's aggregate classification.

Center for Genomic Medicine, Rigshospitalet, Copenhagen University Hospital
Classification: Likely benign. Last evaluated: 2025-03-04. Review status: criteria provided, single submitter. Criteria: ACMG Guidelines, 2015. Collection method: clinical testing. Allele origin: germline. Not counted in ClinVar's aggregate classification.

Institute for Biomarker Research, Medical Diagnostic Laboratories, L.L.C.
Classification: Likely benign for Hereditary cancer-predisposing syndrome. Last evaluated: 2025-01-15. Review status: criteria provided, single submitter. Criteria: ACMG Guidelines, 2015. Collection method: clinical testing. Allele origin: germline. Not counted in ClinVar's aggregate classification.
Comment: The synonymous variant NM_000179.3(MSH6):c.1875C>T (p.Ser625=) has been reported to ClinVar as Likely benign with a status of (3 stars) reviewed by expert panel (Variation ID 89231 as of 2025-01-02). The p.Ser625= variant is not predicted to disrupt an existing splice site. The p.Ser625= variant results in a substitution of a base that is not predicted conserved by GERP++ and PhyloP. For these reasons, this variant has been classified as Likely Benign

Quest Diagnostics Nichols Institute San Juan Capistrano
Classification: Benign. Last evaluated: 2024-12-26. Review status: criteria provided, single submitter. Criteria: Quest Diagnostics criteria. Collection method: clinical testing. Allele origin: unknown. Not counted in ClinVar's aggregate classification.

Blueprint Genetics
Classification: Likely benign. Last evaluated: 2024-09-05. Review status: criteria provided, single submitter. Criteria: ACMG Guidelines, 2015. Collection method: clinical testing. Allele origin: germline. Not counted in ClinVar's aggregate classification.

Myriad Genetics, Inc.
Classification: Benign for Lynch syndrome 5. Last evaluated: 2023-03-29. Review status: criteria provided, single submitter. Criteria: Myriad Autosomal Dominant, Autosomal Recessive and X-Linked Classification Criteria (2023). Collection method: clinical testing. Allele origin: unknown. Not counted in ClinVar's aggregate classification.
Comment: This variant is considered benign. This variant is a silent/synonymous amino acid change and it is not expected to impact splicing.

CHEO Genetics Diagnostic Laboratory, Children's Hospital of Eastern Ontario
Classification: Likely benign for Breast and/or ovarian cancer. Last evaluated: 2023-03-03. Review status: criteria provided, single submitter. Criteria: ACMG Guidelines, 2015. Collection method: clinical testing. Allele origin: germline. Not counted in ClinVar's aggregate classification.

CeGaT Center for Human Genetics Tuebingen
Classification: Likely benign. Last evaluated: 2022-05-01. Review status: criteria provided, single submitter. Criteria: Praxis fuer Humangenetik Tuebingen - Variant Classification Criteria. Collection method: clinical testing. Allele origin: germline. Affected: yes. Observed: 1 variant allele. Not counted in ClinVar's aggregate classification.

Sema4
Classification: Likely benign for Hereditary cancer-predisposing syndrome. Last evaluated: 2021-05-31. Review status: criteria provided, single submitter. Criteria: Sema4 Curation Guidelines. Collection method: curation. Allele origin: germline. Not counted in ClinVar's aggregate classification.

Women's Health and Genetics/Laboratory Corporation of America, LabCorp
Classification: Likely benign. Last evaluated: 2020-11-06. Review status: criteria provided, single submitter. Criteria: LabCorp Variant Classification Summary - May 2015. Collection method: clinical testing. Allele origin: germline. Not counted in ClinVar's aggregate classification.

Mendelics
Classification: Likely benign for Lynch syndrome 5. Last evaluated: 2019-05-28. Review status: criteria provided, single submitter. Criteria: Mendelics Assertion Criteria 2017. Collection method: clinical testing. Allele origin: unknown. Not counted in ClinVar's aggregate classification.

Color Diagnostics, LLC DBA Color Health
Classification: Benign for Hereditary cancer-predisposing syndrome. Last evaluated: 2015-10-29. Review status: criteria provided, single submitter. Criteria: ACMG Guidelines, 2015. Collection method: clinical testing. Allele origin: germline. Not counted in ClinVar's aggregate classification.

GeneDx
Classification: Benign. Last evaluated: 2015-03-03. Review status: criteria provided, single submitter. Criteria: GeneDx Variant Classification Process June 2021. Collection method: clinical testing. Allele origin: germline. Affected: yes. Not counted in ClinVar's aggregate classification.

Ambry Genetics
Classification: Likely benign for Hereditary cancer-predisposing syndrome. Last evaluated: 2015-01-22. Review status: criteria provided, single submitter. Criteria: Ambry Variant Classification Scheme 2023. Collection method: clinical testing. Allele origin: germline. Not counted in ClinVar's aggregate classification.

Counsyl
Classification: Likely benign for Lynch syndrome 5. Last evaluated: 2018-02-23. Review status: no assertion criteria provided. Collection method: clinical testing. Allele origin: unknown. Not counted in ClinVar's aggregate classification.

Department of Pathology and Laboratory Medicine, Sinai Health System
Classification: Benign for Carcinoma of colon. Review status: no assertion criteria provided. Collection method: clinical testing. Allele origin: unknown. Affected: yes. Study: The Canadian Open Genetics Repository (COGR). Not counted in ClinVar's aggregate classification.
Comment: The p.Ser625Ser variant was identified by Vahteristo, 2005 in a breast or colorectal carcinoma patient with family history of cancer. The variant was also identified in dbSNP (ID: rs63749886) â€šÃ„ÃºWith uncertain significanceâ€šÃ„Ã¹, â€šÃ„ÃºMismatch Repair Genes Variant Databaseâ€šÃ„Ã¹, â€šÃ„ÃºZhejiang Colon Cancer Databaseâ€šÃ„Ã¹, the ClinVar database 1x with â€šÃ„Ãºuncertain significanceâ€šÃ„Ã¹, InSiGHT Colon Cancer Gene Variant Database 1X as an â€šÃ„Ãºunknown variantâ€šÃ„Ã¹ and UMD 1 X as a â€šÃ„Ãºneutralâ€šÃ„Ã¹ variant,. This variant was also identified in the the Exome Aggregation Consortium (ExAC) database (released Oct 20th, 2014) in 19 of 120346 (European (Finnish and non-Finnish) and Latino) alleles (frequency: 0.00016), although this low number of observations and low frequency is not substantive enough to determine the prevalence of the variant in the general population and its relationship to disease. The p.Ser625Ser variant is not expected to have clinical significance because it does not result in a change of amino acid and is not located in a known consensus splice site. In addition, in silico or computational prediction software programs (SpliceSiteFinder, MaxEntScan, NNSPLICE, GeneSplicer, HumanSpliceFinder) do not predict a difference in splicing. In addition, this variant was found in our laboratory to co-occur in with a known pathogenic variant c.3957dupA, increasing the likelihood that this variant does not have clinical significance. In summary, based on the above information, this variant meets our laboratories criteria to be classified as benign.

Literature cited by the submitters: PubMed 15805151 (cited by 3 submitters); PubMed 23047549 (cited by 3 submitters).